The following is an entry in ClinVar:

ClinVar aggregate classification (germline): Pathogenic/Likely pathogenic. Review status: criteria provided, multiple submitters, no conflicts (2 of 4 stars). 9 submissions from 9 submitters: Pathogenic (6); Likely pathogenic (1). 2 of the submissions do not count toward it. Last evaluated 2026-06-29.

Conditions:
Chromosome 2q32-q33 deletion syndrome (GLASS). Also called: 2q33.1 deletion syndrome; Glass syndrome. Identifiers: Orphanet 251019, MedGen C2676739, MONDO:0012864, OMIM 612313.

Submissions (9):

Laboratory of Medical Genetics, University of Torino
Classification: Pathogenic for Chromosome 2q32-q33 deletion syndrome. Last evaluated: 2026-06-29. Review status: criteria provided, single submitter. Criteria: ACMG Guidelines, 2015. Collection method: clinical testing. Allele origin: de novo. Affected: yes.

Institute of Immunology and Genetics Kaiserslautern
Classification: Likely pathogenic for Chromosome 2q32-q33 deletion syndrome. Last evaluated: 2024-04-25. Review status: criteria provided, single submitter. Criteria: ACMG Guidelines, 2015. Collection method: clinical testing. Allele origin: maternal. Affected: yes.
Comment: ACMG Criteria: PM2, PM5, PM1, PP5, BP4, PP1, PP4; Variant was found in heterozygous state

Department of Human Genetics, Hannover Medical School
Classification: Pathogenic for Chromosome 2q32-q33 deletion syndrome. Last evaluated: 2024-02-19. Review status: criteria provided, single submitter. Criteria: ACMG Guidelines, 2015. Collection method: clinical testing. Allele origin: germline. Affected: yes.

GeneDx
Classification: Pathogenic. Last evaluated: 2023-02-01. Review status: criteria provided, single submitter. Criteria: GeneDx Variant Classification Process June 2021. Collection method: clinical testing. Allele origin: germline. Affected: yes.
Comment: Not observed at significant frequency in large population cohorts (gnomAD); In silico analysis supports that this missense variant has a deleterious effect on protein structure/function; This variant is associated with the following publications: (PMID: 31021519, 25533962, 28151491, 28135719, 28191890, 31785789, 36457071)

3billion
Classification: Pathogenic for Chromosome 2q32-q33 deletion syndrome. Last evaluated: 2022-03-22. Review status: criteria provided, single submitter. Criteria: ACMG Guidelines, 2015. Collection method: clinical testing. Allele origin: germline. Affected: yes. Observed: 1 heterozygote.
Comment: Same nucleotide change resulting in same amino acid change has been previously reported as pathogenic/likely pathogenic with strong evidence (ClinVar ID: VCV000373069, PMID:28151491). The variant has been previously reported as de novo in a similarly affected individual (PMID: 25533962). A different missense change at the same codon has been reported as pathogenic/likely pathogenic with strong evidence (ClinVar ID: VCV001181946, PMID:31021519,28787087). In silico tool predictions suggest damaging effect of the variant on gene or gene product (3CNET: 0.994>=0.75). It is not observed in the gnomAD v2.1.1 dataset. Therefore, this variant is classified as pathogenic according to the recommendation of ACMG/AMP guideline.

Mendelics
Classification: Pathogenic for Chromosome 2q32-q33 deletion syndrome. Last evaluated: 2019-05-28. Review status: criteria provided, single submitter. Criteria: Mendelics Assertion Criteria 2017. Collection method: clinical testing. Allele origin: unknown.

Equipe Genetique des Anomalies du Developpement, Université de Bourgogne
Classification: Pathogenic for Chromosome 2q32-q33 deletion syndrome. Last evaluated: 2018-06-05. Review status: criteria provided, single submitter. Criteria: ACMG Guidelines, 2015. Collection method: clinical testing. Allele origin: unknown. Affected: yes.

Genome Diagnostics Laboratory, Amsterdam University Medical Center
Classification: Likely pathogenic. Review status: no assertion criteria provided. Collection method: clinical testing. Allele origin: germline. Affected: yes. Study: VKGL Data-share Consensus. Not counted in ClinVar's aggregate classification.

Joint Genome Diagnostic Labs from Nijmegen and Maastricht, Radboudumc and MUMC+
Classification: Likely pathogenic. Review status: no assertion criteria provided. Collection method: clinical testing. Allele origin: germline. Affected: yes. Study: VKGL Data-share Consensus. Not counted in ClinVar's aggregate classification.

Literature cited by the submitters: PubMed 28787087 (cited by 3billion); PubMed 28151491 (cited by 3billion); PubMed 25533962 (cited by 3billion); PubMed 31021519 (cited by 3billion).

NM_001172509.2(SATB2):c.1196G>A (p.Arg399His)

Gene: SATB2 (SATB homeobox 2; minus strand). Cytogenetic location: 2q33.1.
Variant type: single nucleotide variant.
Coding change: c.1196G>A on transcript NM_001172509.2 (MANE Select); coding-DNA position 1196, G replaced by A.
Protein change: p.Arg399His; replaces arginine 399 with histidine.
Molecular consequence: missense variant.
Genome position (GRCh38, 1-based): chr2:199,328,888, C>T on the plus strand (G>A on the coding strand, the complement: SATB2 is on the minus strand). VCF-style: chr2-199328888-C-T. GRCh37 (hg19) VCF-style: chr2-200193611-C-T.
Other names: c.1196G>A, p.Arg399His (NM_001172517.1, NM_015265.4); short protein forms R399H.
Identifiers: ClinVar variation 373069 (VCV000373069.12), dbSNP rs1057518190, ClinGen allele CA16042431.